The following is an entry in ClinVar:

NM_000057.4(BLM):c.2468C>G (p.Ser823Cys)

Gene: BLM (BLM RecQ like helicase; plus strand). Cytogenetic location: 15q26.1.
Variant type: single nucleotide variant.
Coding change: c.2468C>G on transcript NM_000057.4 (MANE Select); coding-DNA position 2468, C replaced by G.
Protein change: p.Ser823Cys; replaces serine 823 with cysteine.
Molecular consequence: missense variant.
Genome position (GRCh38, 1-based): chr15:90,769,499, C>G. VCF-style: chr15-90769499-C-G. GRCh37 (hg19) VCF-style: chr15-91312729-C-G.
Other names: c.2468C>G, p.Ser823Cys (NM_001287246.2, NM_001287247.2); c.1343C>G, p.Ser448Cys (NM_001287248.2); short protein forms S448C, S823C.
Identifiers: ClinVar variation 2801382 (VCV002801382.4), dbSNP rs2505456727, ClinGen allele CA393845391.

ClinVar aggregate classification (germline): Uncertain significance. Review status: criteria provided, multiple submitters, no conflicts (2 of 4 stars). 2 submissions from 2 submitters: Uncertain significance (2). Last evaluated 2025-12-21.

Conditions:
Bloom syndrome (BLM). Also called: Bloom-Torre-Machacek syndrome. Identifiers: Orphanet 125, MedGen C0005859, MONDO:0008876, OMIM 210900.
Hereditary cancer-predisposing syndrome. Also called: Tumor predisposition; Neoplastic Syndromes, Hereditary; Hereditary Cancer Syndrome; Hereditary neoplastic syndrome. Identifiers: Orphanet 140162, MedGen C0027672, MeSH D009386, MONDO:0015356.

Submissions (2):

Ambry Genetics
Classification: Uncertain significance for Hereditary cancer-predisposing syndrome. Last evaluated: 2025-12-21. Review status: criteria provided, single submitter. Criteria: Ambry Variant Classification Scheme 2023. Collection method: clinical testing. Allele origin: germline.
Comment: The p.S823C variant (also known as c.2468C>G), located in coding exon 11 of the BLM gene, results from a C to G substitution at nucleotide position 2468. The serine at codon 823 is replaced by cysteine, an amino acid with dissimilar properties. This amino acid position is conserved. In addition, this alteration is predicted to be tolerated by in silico analysis. Based on the available evidence, the clinical significance of this variant remains unclear.

Labcorp Genetics (formerly Invitae), Labcorp
Classification: Uncertain significance for Bloom syndrome. Last evaluated: 2023-10-17. Review status: criteria provided, single submitter. Criteria: Invitae Variant Classification Sherloc (09022015). Collection method: clinical testing. Allele origin: germline.
Comment: This sequence change replaces serine, which is neutral and polar, with cysteine, which is neutral and slightly polar, at codon 823 of the BLM protein (p.Ser823Cys). This variant is not present in population databases (gnomAD no frequency). This variant has not been reported in the literature in individuals affected with BLM-related conditions. Advanced modeling of protein sequence and biophysical properties (such as structural, functional, and spatial information, amino acid conservation, physicochemical variation, residue mobility, and thermodynamic stability) performed at Invitae indicates that this missense variant is not expected to disrupt BLM protein function. In summary, the available evidence is currently insufficient to determine the role of this variant in disease. Therefore, it has been classified as a Variant of Uncertain Significance.